The following is an entry in ClinVar:

ClinVar aggregate classification (germline): Likely benign. Review status: criteria provided, multiple submitters, no conflicts (2 of 4 stars). 2 submissions from 2 submitters: Likely benign (2). Last evaluated 2026-01-27.

Conditions:
Tuberous sclerosis 1 (TSC1). Identifiers: Orphanet 805, MedGen C1854465, MONDO:0008612, OMIM 191100.

Allele frequency attached by ClinVar (database versions not stated): ExAC 0.00001; gnomAD exomes 0.00001; TOPMed 0.00001.
gnomAD v4.1: 17 of 1,613,062 alleles (0.0011%); highest among the groups gnomAD compares: Non-Finnish European, 0.0014%; no homozygotes.

Submissions (2):

Labcorp Genetics (formerly Invitae), Labcorp
Classification: Likely benign for Tuberous sclerosis 1. Last evaluated: 2026-01-27. Review status: criteria provided, single submitter. Criteria: Invitae Variant Classification Sherloc (09022015). Collection method: clinical testing. Allele origin: germline.

GeneDx
Classification: Likely benign. Last evaluated: 2016-10-07. Review status: criteria provided, single submitter. Criteria: GeneDx Variant Classification (06012015). Collection method: clinical testing. Allele origin: germline. Affected: yes.
Comment: This variant is considered likely benign or benign based on one or more of the following criteria: it is a conservative change, it occurs at a poorly conserved position in the protein, it is predicted to be benign by multiple in silico algorithms, and/or has population frequency not consistent with disease.

NM_000368.5(TSC1):c.210+13A>G

Gene: TSC1 (TSC complex subunit 1; minus strand). Cytogenetic location: 9q34.13.
Variant type: single nucleotide variant.
Coding change: c.210+13A>G on transcript NM_000368.5 (MANE Select); 13 bases into the intron after coding-DNA position 210, A replaced by G.
Molecular consequence: intron variant.
Genome position (GRCh38, 1-based): chr9:132,927,188, T>C on the plus strand (A>G on the coding strand, the complement: TSC1 is on the minus strand). VCF-style: chr9-132927188-T-C. GRCh37 (hg19) VCF-style: chr9-135802575-T-C.
Other names: c.-153-1449A>G (NM_001362177.2); c.210+13A>G (NM_001162427.2, NM_001162426.2).
Identifiers: ClinVar variation 389922 (VCV000389922.8), dbSNP rs759235039, ClinGen allele CA031242.